The following is an entry in ClinVar:

ClinVar aggregate classification (germline): Likely benign (0 of 4 stars; one submission).

Conditions:
OXR1-related disorder. Also called: OXR1-related condition.

Submission:

PreventionGenetics, part of Exact Sciences
Classification: Likely benign for OXR1-related condition. Last evaluated: 2021-01-15. Review status: no assertion criteria provided. Collection method: clinical testing. Allele origin: germline.
Comment: This variant is classified as likely benign based on ACMG/AMP sequence variant interpretation guidelines (Richards et al. 2015 PMID: 25741868, with internal and published modifications).

NM_001198533.2(OXR1):c.221-3dup

Gene: OXR1 (oxidation resistance 1; plus strand). Cytogenetic location: 8q23.1.
Variant type: Duplication.
Coding change: c.221-3dup on transcript NM_001198533.2 (MANE Select); 3 bases into the intron before coding-DNA position 221, one base duplicated (C; older notation c.221-3dupC).
Molecular consequence: intron variant.
Genome position (GRCh38, 1-based): chr8:106,679,207, C duplicated; the last of 3 consecutive C bases (chr8:106,679,205-106,679,207); duplicating any one gives the same sequence. VCF-style (leftmost placement, unchanged base first): chr8-106679204-T-TC. GRCh37 (hg19) VCF-style: chr8-107691432-T-TC.
Other names: c.221-3dup (NM_018002.3); c.224-3dup (NM_001198532.1); c.200-3dup (NM_181354.4); c.224-3dupC (NM_001198532.1).
Identifiers: ClinVar variation 3031688 (VCV003031688.2), dbSNP rs1827906095, ClinGen allele CA1808741071.